The following is an entry in ClinVar:

NM_001040716.2(PC):c.2304G>C (p.Leu768=)

Gene: PC (pyruvate carboxylase; minus strand). Cytogenetic location: 11q13.2.
Variant type: single nucleotide variant.
Coding change: c.2304G>C on transcript NM_001040716.2 (MANE Select); coding-DNA position 2304, G replaced by C.
Protein change: p.Leu768=; no amino-acid change (leucine 768 retained).
Molecular consequence: synonymous variant.
Genome position (GRCh38, 1-based): chr11:66,850,843, C>G on the plus strand (G>C on the coding strand, the complement: PC is on the minus strand). VCF-style: chr11-66850843-C-G. GRCh37 (hg19) VCF-style: chr11-66618314-C-G.
Other names: c.2304G>C, p.Leu768= (NM_000920.4, NM_022172.3); c.2304G>C (NM_001040716.1).
Identifiers: ClinVar variation 378334 (VCV000378334.33), dbSNP rs61731787, ClinGen allele CA6131098.

ClinVar aggregate classification (germline): Likely benign. Review status: criteria provided, multiple submitters, no conflicts (2 of 4 stars). 4 submissions from 4 submitters: Likely benign (3). 1 of the submissions does not count toward it. Last evaluated 2026-01-11.

Conditions:
PC-related disorder. Also called: PC-related condition.
Pyruvate carboxylase deficiency. Also called: PC DEFICIENCY; ATAXIA WITH LACTIC ACIDOSIS II; Pyruvate Carboxylase Deficiency Disease; LEIGH NECROTIZING ENCEPHALOPATHY DUE TO PYRUVATE CARBOXYLASE DEFICIENCY; LEIGH SYNDROME DUE TO PYRUVATE CARBOXYLASE DEFICIENCY. Identifiers: Orphanet 3008, MedGen C0034341, MONDO:0009949, OMIM 266150.

Allele frequency attached by ClinVar (database versions not stated): ExAC 0.00011; gnomAD 0.00011; gnomAD exomes 0.00013 and 0.00035; TOPMed 0.00018.
gnomAD v4.1: 516 of 1,611,924 alleles (0.032%); highest among the groups gnomAD compares: Non-Finnish European, 0.042%; no homozygotes.

Submissions (4):

Labcorp Genetics (formerly Invitae), Labcorp
Classification: Likely benign for Pyruvate carboxylase deficiency. Last evaluated: 2026-01-11. Review status: criteria provided, single submitter. Criteria: Invitae Variant Classification Sherloc (09022015). Collection method: clinical testing. Allele origin: germline.

CeGaT Center for Human Genetics Tuebingen
Classification: Likely benign. Last evaluated: 2024-03-01. Review status: criteria provided, single submitter. Criteria: CeGaT Center For Human Genetics Tuebingen Variant Classification Criteria Version 2. Collection method: clinical testing. Allele origin: germline. Affected: yes. Observed: 1 variant allele.
Comment: PC: BP4, BP7

GeneDx
Classification: Likely benign. Last evaluated: 2016-07-26. Review status: criteria provided, single submitter. Criteria: GeneDx Variant Classification (06012015). Collection method: clinical testing. Allele origin: germline. Affected: yes.
Comment: This variant is considered likely benign or benign based on one or more of the following criteria: it is a conservative change, it occurs at a poorly conserved position in the protein, it is predicted to be benign by multiple in silico algorithms, and/or has population frequency not consistent with disease.

PreventionGenetics, part of Exact Sciences
Classification: Likely benign for PC-related condition. Last evaluated: 2022-11-21. Review status: no assertion criteria provided. Collection method: clinical testing. Allele origin: germline. Not counted in ClinVar's aggregate classification.
Comment: This variant is classified as likely benign based on ACMG/AMP sequence variant interpretation guidelines (Richards et al. 2015 PMID: 25741868, with internal and published modifications).